The following is an entry in ClinVar:

NM_001122681.2(SH3BP2):c.1228C>T (p.Leu410Phe)

Gene: SH3BP2 (SH3 domain binding protein 2; plus strand). Cytogenetic location: 4p16.3.
Variant type: single nucleotide variant.
Coding change: c.1228C>T on transcript NM_001122681.2 (MANE Select); coding-DNA position 1228, C replaced by T.
Protein change: p.Leu410Phe; replaces leucine 410 with phenylalanine.
Molecular consequence: missense variant.
Genome position (GRCh38, 1-based): chr4:2,830,134, C>T. VCF-style: chr4-2830134-C-T. GRCh37 (hg19) VCF-style: chr4-2831861-C-T.
Other names: c.1312C>T, p.Leu438Phe (NM_001145855.2); c.1399C>T, p.Leu467Phe (NM_001145856.2); c.1228C>T, p.Leu410Phe (NM_003023.4); short protein forms L438F, L467F, L410F.
Identifiers: ClinVar variation 4695943 (VCV004695943.1).
Genomic context (GRCh38, chr4:2,830,134, plus strand): 5'-CTGCCAGTGCCTGAGGCCATGGCGCGGCCCGCAGTCCTGCCCAGGCCAGAGAAGCCGCAG[C>T]TCCCGCACCTCCAGTGAGTTTGTGTGGCGGCTGCAAGCCCTGCCTCCAGCTACAGGGACC-3'
Protein context (NP_001116153.1, residues 400-420): AVLPRPEKPQ[Leu410Phe]PHLQRSPPDG

ClinVar aggregate classification (germline): Uncertain significance (1 of 4 stars; one submission).

Conditions:
Fibrous dysplasia of jaw (CRBM). Also called: Cherubism. Identifiers: Orphanet 184, MedGen C0008029, MONDO:0007315, OMIM 118400.

gnomAD v4.1: 2 of 1,600,890 alleles (0.00012%); highest among the groups gnomAD compares: East Asian, 0.0022%; no homozygotes.

Submission:

Labcorp Genetics (formerly Invitae), Labcorp
Classification: Uncertain significance for Fibrous dysplasia of jaw. Last evaluated: 2025-10-03. Review status: criteria provided, single submitter. Criteria: Invitae Variant Classification Sherloc (09022015). Collection method: clinical testing. Allele origin: germline.
Comment: This sequence change replaces leucine, which is neutral and non-polar, with phenylalanine, which is neutral and non-polar, at codon 410 of the SH3BP2 protein (p.Leu410Phe). This variant is not present in population databases (gnomAD no frequency). This variant has not been reported in the literature in individuals affected with SH3BP2-related conditions. Invitae Evidence Modeling of protein sequence and biophysical properties (such as structural, functional, and spatial information, amino acid conservation, physicochemical variation, residue mobility, and thermodynamic stability) indicates that this missense variant is not expected to disrupt SH3BP2 protein function with a negative predictive value of 80%. In summary, the available evidence is currently insufficient to determine the role of this variant in disease. Therefore, it has been classified as a Variant of Uncertain Significance.